The following is an entry in ClinVar:

NM_005660.3(SLC35A2):c.656_660del (p.Val218_Tyr219insTer)

Gene: SLC35A2 (solute carrier family 35 member A2; minus strand). Cytogenetic location: Xp11.23.
Variant type: Deletion.
Coding change: c.656_660del on transcript NM_005660.3 (MANE Select); coding-DNA positions 656 to 660, 5 bases deleted (ACTTT; older notation c.656_660delACTTT).
Protein change: p.Val218_Tyr219insTer.
Molecular consequence: nonsense. On other transcripts: intron variant (3).
Genome position (GRCh38, 1-based): chrX:48,905,249-48,905,253, AAAGT deleted on the plus strand (ACTTT on the coding strand, the reverse complement: SLC35A2 is on the minus strand); deleting any 5 consecutive bases within chrX:48,905,249-48,905,254 gives the same sequence; the c. name uses the placement nearest the transcript's 3' end. VCF-style (leftmost placement, unchanged base first): chrX-48905248-CAAAGT-C. GRCh37 (hg19) VCF-style: chrX-48762525-CAAAGT-C.
Other names: c.656_660del, p.Val218_Tyr219insTer (NM_001042498.3); c.473_477del, p.Val157_Tyr158insTer (NM_001282649.2); c.695_699del, p.Val231_Tyr232insTer (NM_001282650.2); c.740_744del, p.Val246_Tyr247insTer (NM_001282651.2); c.427-361_427-357del (NM_001282647.2, NM_001032289.3); c.355-361_355-357del (NM_001282648.2).
Identifiers: ClinVar variation 1072202 (VCV001072202.9), dbSNP rs2147487028, ClinGen allele CA2499226749.

ClinVar aggregate classification (germline): Pathogenic (1 of 4 stars; one submission).

Conditions:
SLC35A2-congenital disorder of glycosylation. Also called: CONGENITAL DISORDER OF GLYCOSYLATION, TYPE IIm; CDG IIm; EPILEPTIC ENCEPHALOPATHY, EARLY INFANTILE, 22; SLC35A2-CDG; CONGENITAL DISORDER OF GLYCOSYLATION, TYPE IIm, SOMATIC MOSAIC; DEVELOPMENTAL AND EPILEPTIC ENCEPHALOPATHY 22. Identifiers: Orphanet 356961, MedGen C3806688, MONDO:0010478, OMIM 300896.

Submission:

Labcorp Genetics (formerly Invitae), Labcorp
Classification: Pathogenic for SLC35A2-congenital disorder of glycosylation. Last evaluated: 2022-07-19. Review status: criteria provided, single submitter. Criteria: Invitae Variant Classification Sherloc (09022015). Collection method: clinical testing. Allele origin: germline.
Comment: This variant disrupts a region of the SLC35A2 protein in which other variant(s) (p.Phe324Leufs*25) have been determined to be pathogenic (PMID: 24115232). This suggests that this is a clinically significant region of the protein, and that variants that disrupt it are likely to be disease-causing. For these reasons, this variant has been classified as Pathogenic. ClinVar contains an entry for this variant (Variation ID: 1072202). This variant has not been reported in the literature in individuals affected with SLC35A2-related conditions. This variant is not present in population databases (gnomAD no frequency). This sequence change creates a premature translational stop signal (p.Tyr219*) in the SLC35A2 gene. While this is not anticipated to result in nonsense mediated decay, it is expected to disrupt the last 175 amino acid(s) of the SLC35A2 protein.

Literature cited by the submitters: PubMed 24115232.